The following is an entry in ClinVar:

ClinVar aggregate classification (germline): Benign (1 of 4 stars; one submission).

Conditions:
Landau-Kleffner syndrome (FESD). Also called: EPILEPSY, FOCAL, WITH SPEECH DISORDER AND WITH OR WITHOUT MENTAL RETARDATION; APHASIA, ACQUIRED, WITH EPILEPSY. Identifiers: Orphanet 1945, Orphanet 725, Orphanet 98818, MedGen C0282512, MONDO:0009509, OMIM 245570.

Allele frequency attached by ClinVar (database versions not stated): gnomAD exomes 0.00029; gnomAD 0.00016 and 0.00019; 1000 Genomes Project 30x 0.00047; TOPMed 0.00011; 1000 Genomes Project 0.00060.
gnomAD v4.1: 50 of 208,372 alleles (0.024%); highest among the groups gnomAD compares: East Asian, 0.2%; 1 homozygote.

Submission:

Illumina Laboratory Services, Illumina
Classification: Benign for Landau-Kleffner syndrome. Last evaluated: 2018-01-13. Review status: criteria provided, single submitter. Criteria: ICSL Variant Classification Criteria 13 December 2019. Collection method: clinical testing. Allele origin: germline.
Comment: This variant was observed in the ICSL laboratory as part of a predisposition screen in an ostensibly healthy population. It had not been previously curated by ICSL or reported in the Human Gene Mutation Database (HGMD: prior to June 1st, 2018), and was therefore a candidate for classification through an automated scoring system. Utilizing variant allele frequency, disease prevalence and penetrance estimates, and inheritance mode, an automated score was calculated to assess if this variant is too frequent to cause the disease. Based on the score and internal cut-off values, a variant classified as benign is not then subjected to further curation. The score for this variant resulted in a classification of benign for this disease.

NM_001134407.3(GRIN2A):c.*6596C>T

Gene: GRIN2A (glutamate ionotropic receptor NMDA type subunit 2A; minus strand). Cytogenetic location: 16p13.2.
Variant type: single nucleotide variant.
Coding change: c.*6596C>T on transcript NM_001134407.3 (MANE Select); 6596 bases downstream of the stop codon, C replaced by T.
Molecular consequence: 3 prime UTR variant.
Genome position (GRCh38, 1-based): chr16:9,756,553, G>A on the plus strand (C>T on the coding strand, the complement: GRIN2A is on the minus strand). VCF-style: chr16-9756553-G-A. GRCh37 (hg19) VCF-style: chr16-9850410-G-A.
Other names: c.*6596C>T (NM_000833.5); c.*6802C>T (NM_001134408.2).
Identifiers: ClinVar variation 321505 (VCV000321505.5), dbSNP rs375205206, ClinGen allele CA10649404.